The following is an entry in ClinVar:

NM_017433.5(MYO3A):c.4393C>T (p.His1465Tyr)

Gene: MYO3A (myosin IIIA; plus strand). Cytogenetic location: 10p12.1.
Variant type: single nucleotide variant.
Coding change: c.4393C>T on transcript NM_017433.5 (MANE Select); coding-DNA position 4393, C replaced by T.
Protein change: p.His1465Tyr; replaces histidine 1465 with tyrosine.
Molecular consequence: missense variant.
Genome position (GRCh38, 1-based): chr10:26,176,800, C>T. VCF-style: chr10-26176800-C-T. GRCh37 (hg19) VCF-style: chr10-26465729-C-T.
Other names: short protein forms H1465Y.
Identifiers: ClinVar variation 3401532 (VCV003401532.4).

ClinVar aggregate classification (germline): Uncertain significance. Review status: criteria provided, multiple submitters, no conflicts (2 of 4 stars). 3 submissions from 3 submitters: Uncertain significance (3). Last evaluated 2025-05-19.

Conditions:
MYO3A-related disorder. Also called: MYO3A-related condition.
Inborn genetic diseases. Identifiers: MedGen C0950123, MeSH D030342.

Submissions (3):

PreventionGenetics, part of Exact Sciences
Classification: Uncertain significance for MYO3A-related condition. Last evaluated: 2025-05-19. Review status: criteria provided, single submitter. Criteria: ACMG Guidelines, 2015. Collection method: clinical testing. Allele origin: germline.
Comment: The MYO3A c.4393C>T variant is predicted to result in the amino acid substitution p.His1465Tyr. To our knowledge, this variant has not been reported in the literature. This variant is reported in 0.0062% of alleles in individuals of European (Non-Finnish) descent in gnomAD. At this time, the clinical significance of this variant is uncertain due to the absence of conclusive functional and genetic evidence.

Ambry Genetics
Classification: Uncertain significance for Inborn genetic diseases. Last evaluated: 2024-10-08. Review status: criteria provided, single submitter. Criteria: Ambry Variant Classification Scheme 2023. Collection method: clinical testing. Allele origin: germline.

Labcorp Genetics (formerly Invitae), Labcorp
Classification: Uncertain significance. Last evaluated: 2024-06-06. Review status: criteria provided, single submitter. Criteria: Invitae Variant Classification Sherloc (09022015). Collection method: clinical testing. Allele origin: germline.
Comment: This sequence change replaces histidine, which is basic and polar, with tyrosine, which is neutral and polar, at codon 1465 of the MYO3A protein (p.His1465Tyr). This variant is present in population databases (rs750441373, gnomAD 0.006%). This variant has not been reported in the literature in individuals affected with MYO3A-related conditions. Algorithms developed to predict the effect of missense changes on protein structure and function output the following: SIFT: "Not Available"; PolyPhen-2: "Benign"; Align-GVGD: "Not Available". The tyrosine amino acid residue is found in multiple mammalian species, which suggests that this missense change does not adversely affect protein function. In summary, the available evidence is currently insufficient to determine the role of this variant in disease. Therefore, it has been classified as a Variant of Uncertain Significance.